The following is an entry in ClinVar:

NM_001613.4(ACTA2):c.511T>A (p.Tyr171Asn)

Gene: ACTA2 (actin alpha 2, smooth muscle; minus strand). Cytogenetic location: 10q23.31.
Variant type: single nucleotide variant.
Coding change: c.511T>A on transcript NM_001613.4 (MANE Select); coding-DNA position 511, T replaced by A.
Protein change: p.Tyr171Asn; replaces tyrosine 171 with asparagine.
Molecular consequence: missense variant.
Genome position (GRCh38, 1-based): chr10:88,941,334, A>T on the plus strand (T>A on the coding strand, the complement: ACTA2 is on the minus strand). VCF-style: chr10-88941334-A-T. GRCh37 (hg19) VCF-style: chr10-90701091-A-T.
Other names: c.511T>A, p.Tyr171Asn (NM_001406462.1, NM_001406463.1, NM_001406464.1 and 3 more transcripts); c.400T>A, p.Tyr134Asn (NM_001406466.1); c.382T>A, p.Tyr128Asn (NM_001406467.1, NM_001406468.1, NM_001406469.1); short protein forms Y171N, Y128N, Y134N.
Identifiers: ClinVar variation 1491958 (VCV001491958.9), dbSNP rs2133254874, ClinGen allele CA377512266.

ClinVar aggregate classification (germline): Uncertain significance (1 of 4 stars; one submission).

Conditions:
Aortic aneurysm, familial thoracic 6 (AAT6). Also called: FAMILIAL THORACIC AORTIC ANEURYSM WITH LIVEDO RETICULARIS AND IRIS FLOCCULI. Identifiers: MedGen C2673186, MONDO:0012730, OMIM 611788.

Submission:

Labcorp Genetics (formerly Invitae), Labcorp
Classification: Uncertain significance for Aortic aneurysm, familial thoracic 6. Last evaluated: 2020-12-08. Review status: criteria provided, single submitter. Criteria: Invitae Variant Classification Sherloc (09022015). Collection method: clinical testing. Allele origin: germline.
Comment: In summary, the available evidence is currently insufficient to determine the role of this variant in disease. Therefore, it has been classified as a Variant of Uncertain Significance. Advanced modeling of protein sequence and biophysical properties (such as structural, functional, and spatial information, amino acid conservation, physicochemical variation, residue mobility, and thermodynamic stability) performed at Invitae indicates that this missense variant is expected to disrupt ACTA2 protein function. This variant has not been reported in the literature in individuals with ACTA2-related conditions. This variant is not present in population databases (ExAC no frequency). This sequence change replaces tyrosine with asparagine at codon 171 of the ACTA2 protein (p.Tyr171Asn). The tyrosine residue is highly conserved and there is a large physicochemical difference between tyrosine and asparagine.